The following is an entry in ClinVar:

ClinVar aggregate classification (germline): Uncertain significance (1 of 4 stars; one submission).

Conditions:
Hereditary nonpolyposis colorectal neoplasms. Identifiers: MedGen C0009405, MeSH D003123.

Submission:

Labcorp Genetics (formerly Invitae), Labcorp
Classification: Uncertain significance for Hereditary nonpolyposis colorectal neoplasms. Last evaluated: 2018-09-07. Review status: criteria provided, single submitter. Criteria: Invitae Variant Classification Sherloc (09022015). Collection method: clinical testing. Allele origin: germline.
Comment: In summary, the available evidence is currently insufficient to determine the role of this variant in disease. Therefore, it has been classified as a Variant of Uncertain Significance. Algorithms developed to predict the effect of sequence changes on RNA splicing suggest that this variant may disrupt the consensus splice site, but this prediction has not been confirmed by published transcriptional studies. This variant has not been reported in the literature in individuals with PMS2-related disease. This variant is not present in population databases (ExAC no frequency). This sequence change falls in intron 9 of the PMS2 gene. It does not directly change the encoded amino acid sequence of the PMS2 protein.

NM_000535.7(PMS2):c.989-8T>A

Gene: PMS2 (PMS1 homolog 2, mismatch repair system component; minus strand). Cytogenetic location: 7p22.1.
Variant type: single nucleotide variant.
Coding change: c.989-8T>A on transcript NM_000535.7 (MANE Select); 8 bases into the intron before coding-DNA position 989, T replaced by A.
Molecular consequence: intron variant.
Genome position (GRCh38, 1-based): chr7:5,989,963, A>T on the plus strand (T>A on the coding strand, the complement: PMS2 is on the minus strand). VCF-style: chr7-5989963-A-T. GRCh37 (hg19) VCF-style: chr7-6029594-A-T.
Other names: c.671-8T>A (NM_001322008.2, NM_001322007.2); c.583+2010T>A (NM_001322010.2); c.584-8T>A (NM_001322004.2, NM_001322003.2, NM_001322009.2 and 1 more transcripts); c.988+2010T>A (NM_001322006.2); c.416-8T>A (NM_001322013.2); c.56-8T>A (NM_001322012.2, NM_001322011.2); c.989-8T>A (NM_001322014.2); c.680-8T>A (NM_001322015.2).
Identifiers: ClinVar variation 641184 (VCV000641184.8), dbSNP rs1583336015, ClinGen allele CA915944874.